The following is an entry in ClinVar:

ClinVar aggregate classification (germline): Uncertain significance (1 of 4 stars; one submission).

Conditions:
Gastrointestinal stromal tumor. Also called: Gastrointestinal stromal tumor, somatic; Gastrointestinal stroma tumor. Identifiers: Orphanet 44890, MedGen C0238198, MeSH D046152, MONDO:0011719, OMIM 606764, HP:0100723.

Submission:

Labcorp Genetics (formerly Invitae), Labcorp
Classification: Uncertain significance for Gastrointestinal stromal tumor. Last evaluated: 2020-01-29. Review status: criteria provided, single submitter. Criteria: Invitae Variant Classification Sherloc (09022015). Collection method: clinical testing. Allele origin: germline.
Comment: Nucleotide substitutions within the consensus splice site are a relatively common cause of aberrant splicing (PMID: 17576681, 9536098). Algorithms developed to predict the effect of sequence changes on RNA splicing suggest that this variant is not likely to affect RNA splicing, but this prediction has not been confirmed by published transcriptional studies. In summary, the available evidence is currently insufficient to determine the role of this variant in disease. Therefore, it has been classified as a Variant of Uncertain Significance. This variant has not been reported in the literature in individuals with PDGFRA-related conditions. This variant is not present in population databases (ExAC no frequency). This sequence change falls in intron 11 of the PDGFRA gene. It does not directly change the encoded amino acid sequence of the PDGFRA protein, but it affects a nucleotide within the consensus splice site of the intron.

Literature cited by the submitters: PubMed 17576681; PubMed 9536098.

NM_006206.6(PDGFRA):c.1653+6T>C

Gene: PDGFRA (platelet derived growth factor receptor alpha; plus strand). Cytogenetic location: 4q12.
Variant type: single nucleotide variant.
Coding change: c.1653+6T>C on transcript NM_006206.6 (MANE Select); 6 bases into the intron after coding-DNA position 1653, T replaced by C.
Molecular consequence: intron variant.
Genome position (GRCh38, 1-based): chr4:54,274,631, T>C. VCF-style: chr4-54274631-T-C. GRCh37 (hg19) VCF-style: chr4-55140798-T-C.
Other names: c.1728+6T>C (NM_001347828.2); c.1653+6T>C (NM_001347827.2, NM_001347829.2); c.1692+6T>C (NM_001347830.2).
Identifiers: ClinVar variation 1004434 (VCV001004434.16), dbSNP rs1723610576, ClinGen allele CA1458535463.
Genomic context (GRCh38, chr4:54,274,631, plus strand): 5'-GCTGTTGGTGATTGTGATCATCTCACTTATTGTCCTGGTTGTCATTTGGAAACAGGTAGA[T>C]ATTTTCTCATAAAACTAAAGATCTTTGAAGCCAATGAGAACAAGCATAGCAACCTAGTTC-3'